The following is an entry in ClinVar:

ClinVar aggregate classification (germline): Uncertain significance (1 of 4 stars; one submission).

Conditions:
Familial meningioma. Also called: Meningioma, familial, susceptibility to. Identifiers: Orphanet 263662, MedGen C3551915, MONDO:0011789, OMIM 607174.

gnomAD v4.1: 1 of 1,613,924 alleles (0.000062%); highest among the groups gnomAD compares: Non-Finnish European, 0.000085%; no homozygotes.

Submission:

Labcorp Genetics (formerly Invitae), Labcorp
Classification: Uncertain significance for Familial meningioma. Last evaluated: 2024-02-06. Review status: criteria provided, single submitter. Criteria: Invitae Variant Classification Sherloc (09022015). Collection method: clinical testing. Allele origin: germline.
Comment: This sequence change replaces arginine, which is basic and polar, with glycine, which is neutral and non-polar, at codon 223 of the SMARCE1 protein (p.Arg223Gly). This variant is not present in population databases (gnomAD no frequency). This variant has not been reported in the literature in individuals affected with SMARCE1-related conditions. Advanced modeling of protein sequence and biophysical properties (such as structural, functional, and spatial information, amino acid conservation, physicochemical variation, residue mobility, and thermodynamic stability) performed at Invitae indicates that this missense variant is expected to disrupt SMARCE1 protein function with a positive predictive value of 80%. In summary, the available evidence is currently insufficient to determine the role of this variant in disease. Therefore, it has been classified as a Variant of Uncertain Significance.

NM_003079.5(SMARCE1):c.667A>G (p.Arg223Gly)

Gene: SMARCE1 (SWI/SNF related BAF chromatin remodeling complex subunit E1; minus strand). Cytogenetic location: 17q21.2.
Variant type: single nucleotide variant.
Coding change: c.667A>G on transcript NM_003079.5 (MANE Select); coding-DNA position 667, A replaced by G.
Protein change: p.Arg223Gly; replaces arginine 223 with glycine.
Molecular consequence: missense variant.
Genome position (GRCh38, 1-based): chr17:40,632,242, T>C on the plus strand (A>G on the coding strand, the complement: SMARCE1 is on the minus strand). VCF-style: chr17-40632242-T-C. GRCh37 (hg19) VCF-style: chr17-38788494-T-C.
Other names: short protein forms R223G.
Identifiers: ClinVar variation 3668693 (VCV003668693.2).
Genomic context (GRCh38, chr17:40,632,242, plus strand): 5'-TTTATGACTTTACCTGATGAACCATTAAGGACTGGACCTGCCGTTTGAGGACCTGCATTC[T>C]AGCTGTTGTGACAACTGACCGAACGTCTGGCACCACACTCTCACTAAGAATTTCACTGAT-3'
Protein context (NP_003070.3, residues 213-233): PDVRSVVTTA[Arg223Gly]MQVLKRQVQS